The following is an entry in ClinVar:

NM_206933.4(USH2A):c.14017T>C (p.Tyr4673His)

Gene: USH2A (usherin; minus strand). Cytogenetic location: 1q41.
Variant type: single nucleotide variant.
Coding change: c.14017T>C on transcript NM_206933.4 (MANE Select); coding-DNA position 14017, T replaced by C.
Protein change: p.Tyr4673His; replaces tyrosine 4673 with histidine.
Molecular consequence: missense variant.
Genome position (GRCh38, 1-based): chr1:215,671,088, A>G on the plus strand (T>C on the coding strand, the complement: USH2A is on the minus strand). VCF-style: chr1-215671088-A-G. GRCh37 (hg19) VCF-style: chr1-215844430-A-G.
Other names: short protein forms Y4673H.
Identifiers: ClinVar variation 557599 (VCV000557599.13), dbSNP rs1040917329, ClinGen allele CA37410113.
Genomic context (GRCh38, chr1:215,671,088, plus strand): 5'-TTCCGTTATAGATTAGGACTGGATTGGATTTTCTAGGCTGAGTTGCTATTTGTCTTCTGT[A>G]TAATTCGTAATACAAAACTTTTCCATTTGGCTGCAGCGGTCCTGTCCACAAAAGAGAAAC-3'
Protein context (NP_996816.3, residues 4663-4683): PNGKVLYYEL[Tyr4673His]RRQIATQPRK

ClinVar aggregate classification (germline): Conflicting classifications of pathogenicity. Review status: criteria provided, conflicting classifications (1 of 4 stars). 9 submissions from 8 submitters: Likely pathogenic (1); Uncertain significance (7). 1 of the submissions does not count toward it. Last evaluated 2024-03-25.

Conditions:
Retinal dystrophy. Also called: Inherited retinal dystrophy. Identifiers: Orphanet 71862, MedGen C0854723, MeSH D058499, MONDO:0019118, HP:0000556.
USH2A-related disorder. Also called: USH2A-related disorders; USH2A-related condition. Identifiers: MedGen CN239332.
Retinitis pigmentosa 39 (RP39). Identifiers: Orphanet 791, MedGen C3151138, MONDO:0013436, OMIM 613809.
Usher syndrome type 2A. Also called: RETINAL DISEASE IN USHER SYNDROME TYPE IIA, MODIFIER OF; USHER SYNDROME, TYPE IIA. Identifiers: Orphanet 231178, Orphanet 886, MedGen C1848634, MONDO:0010169, OMIM 276901.

Allele frequency attached by ClinVar (database versions not stated): gnomAD 0.00003 and 0.00001; TOPMed 0.00003; gnomAD exomes 0.00006 and 0.00001.
gnomAD v4.1: 92 of 1,614,044 alleles (0.0057%); highest among the groups gnomAD compares: East Asian, 0.18%; no homozygotes.

Submissions (9):

Baylor Genetics
Classification: Uncertain significance for Retinitis pigmentosa 39. Last evaluated: 2024-03-25. Review status: criteria provided, single submitter. Criteria: ACMG Guidelines, 2015. Collection method: clinical testing. Allele origin: unknown.

Genome-Nilou Lab
Classification: Uncertain significance for Retinitis pigmentosa 39. Last evaluated: 2023-11-04. Review status: criteria provided, single submitter. Criteria: ACMG Guidelines, 2015. Collection method: clinical testing. Allele origin: germline. Affected: no.

Genome-Nilou Lab
Classification: Uncertain significance for Usher syndrome type 2A. Last evaluated: 2023-11-04. Review status: criteria provided, single submitter. Criteria: ACMG Guidelines, 2015. Collection method: clinical testing. Allele origin: germline. Affected: no.

Dept Of Ophthalmology, Nagoya University
Classification: Uncertain significance for Retinal dystrophy. Last evaluated: 2023-10-01. Review status: criteria provided, single submitter. Criteria: Submitter's publication. Collection method: research. Allele origin: germline. Affected: yes.

Blueprint Genetics
Classification: Likely pathogenic for USH2A-related disorders. Last evaluated: 2023-05-04. Review status: criteria provided, single submitter. Criteria: ACMG Guidelines, 2015. Collection method: clinical testing. Allele origin: germline. Affected: yes. Observed: 4 variant alleles.

Women's Health and Genetics/Laboratory Corporation of America, LabCorp
Classification: Uncertain significance. Last evaluated: 2022-06-02. Review status: criteria provided, single submitter. Criteria: LabCorp Variant Classification Summary - May 2015. Collection method: clinical testing. Allele origin: germline.
Comment: Variant summary: USH2A c.14017T>C (p.Tyr4673His) results in a conservative amino acid change in the encoded protein sequence. Two of four in-silico tools predict a benign effect of the variant on protein function. The variant allele was found at a frequency of 1.2e-05 in 251322 control chromosomes. The available data on variant occurrences in the general population are insufficient to allow any conclusion about variant significance. c.14017T>C has been reported in the literature in individuals affected with deafness, Retinitis Pigmentosa, or retinal degeneration. These data do not allow any conclusion about variant significance. To our knowledge, no experimental evidence demonstrating an impact on protein function has been reported. Two clinical diagnostic laboratories have submitted clinical-significance assessments for this variant to ClinVar after 2014 without evidence for independent evaluation. Both laboratories classified the variant as uncertain significance. Based on the evidence outlined above, the variant was classified as uncertain significance.

Labcorp Genetics (formerly Invitae), Labcorp
Classification: Uncertain significance. Last evaluated: 2022-03-29. Review status: criteria provided, single submitter. Criteria: Invitae Variant Classification Sherloc (09022015). Collection method: clinical testing. Allele origin: germline.
Comment: This sequence change replaces tyrosine, which is neutral and polar, with histidine, which is basic and polar, at codon 4673 of the USH2A protein (p.Tyr4673His). This variant is present in population databases (no rsID available, gnomAD 0.01%). This missense change has been observed in individual(s) with USH2A-related conditions (PMID: 25373420, 26992781, 30948794, 31054281, 32188678, 32675063, 32893482, 33090715). In at least one individual the data is consistent with being in trans (on the opposite chromosome) from a pathogenic variant. ClinVar contains an entry for this variant (Variation ID: 557599). Algorithms developed to predict the effect of missense changes on protein structure and function (SIFT, PolyPhen-2, Align-GVGD) all suggest that this variant is likely to be disruptive. In summary, the available evidence is currently insufficient to determine the role of this variant in disease. Therefore, it has been classified as a Variant of Uncertain Significance.

Myriad Genetics, Inc.
Classification: Uncertain significance for Usher syndrome type 2A. Last evaluated: 2021-10-01. Review status: criteria provided, single submitter. Criteria: Myriad Women's Health Autosomal Recessive and X-Linked Classification Criteria (2021). Collection method: clinical testing. Allele origin: unknown.
Comment: NM_206933.2(USH2A):c.14017T>C(Y4673H) is a missense variant classified as a variant of uncertain significance in the context of USH2A-related disorders. Y4673H has been observed in cases with relevant disease (PMID: 26992781, 25373420, 24853665, 26927203, 23967202). Functional assessments of this variant are not available in the literature. Y4673H has been observed in population frequency databases (gnomAD: EAS 0.02%). In summary, there is insufficient evidence to classify NM_206933.2(USH2A):c.14017T>C(Y4673H) as pathogenic or benign. Please note: this variant was assessed in the context of healthy population screening.

PreventionGenetics, part of Exact Sciences
Classification: Uncertain significance for USH2A-related condition. Last evaluated: 2024-08-27. Review status: no assertion criteria provided. Collection method: clinical testing. Allele origin: germline. Not counted in ClinVar's aggregate classification.
Comment: The USH2A c.14017T>C variant is predicted to result in the amino acid substitution p.Tyr4673His. This variant has been reported in multiple individuals with symptoms of Usher syndrome (see for example, Miyagawa et al. 2013. PubMed ID: 23967202; Chen et al. 2020. PubMed ID: 32893482; Liu et al. 2020. PubMed ID: 33090715). This variant is reported in 0.015% of alleles in individuals of East Asian descent in gnomAD. At this time, the clinical significance of this variant is uncertain due to the absence of conclusive functional and genetic evidence.

Literature cited by the submitters: PubMed 23967202 (cited by Women's Health and Genetics/Laboratory Corporation of America, LabCorp and Myriad Genetics, Inc.); PubMed 31054281 (cited by Women's Health and Genetics/Laboratory Corporation of America, LabCorp and Labcorp Genetics (formerly Invitae), Labcorp); PubMed 26927203 (cited by Women's Health and Genetics/Laboratory Corporation of America, LabCorp and Myriad Genetics, Inc.); PubMed 31541171 (cited by Women's Health and Genetics/Laboratory Corporation of America, LabCorp); PubMed 32675063 (cited by Women's Health and Genetics/Laboratory Corporation of America, LabCorp and Labcorp Genetics (formerly Invitae), Labcorp); PubMed 24853665 (cited by Women's Health and Genetics/Laboratory Corporation of America, LabCorp and Myriad Genetics, Inc.); PubMed 33124170 (cited by Women's Health and Genetics/Laboratory Corporation of America, LabCorp); PubMed 25373420 (cited by 3 submitters); PubMed 33691693 (cited by Women's Health and Genetics/Laboratory Corporation of America, LabCorp); PubMed 26992781 (cited by 3 submitters); PubMed 30948794 (cited by Labcorp Genetics (formerly Invitae), Labcorp); PubMed 32188678 (cited by Labcorp Genetics (formerly Invitae), Labcorp); PubMed 32893482 (cited by Labcorp Genetics (formerly Invitae), Labcorp); PubMed 33090715 (cited by Labcorp Genetics (formerly Invitae), Labcorp).